The following is an entry in ClinVar:

NM_006766.5(KAT6A):c.1453T>C (p.Phe485Leu)

Gene: KAT6A (lysine acetyltransferase 6A; minus strand). Cytogenetic location: 8p11.21.
Variant type: single nucleotide variant.
Coding change: c.1453T>C on transcript NM_006766.5 (MANE Select); coding-DNA position 1453, T replaced by C.
Protein change: p.Phe485Leu; replaces phenylalanine 485 with leucine.
Molecular consequence: missense variant.
Genome position (GRCh38, 1-based): chr8:41,974,733, A>G on the plus strand (T>C on the coding strand, the complement: KAT6A is on the minus strand). VCF-style: chr8-41974733-A-G. GRCh37 (hg19) VCF-style: chr8-41832251-A-G.
Other names: c.1453T>C, p.Phe485Leu (NM_001305878.2); short protein forms F485L.
Identifiers: ClinVar variation 1706416 (VCV001706416.2), dbSNP rs2486798251, ClinGen allele CA371075304.

ClinVar aggregate classification (germline): Uncertain significance (1 of 4 stars; one submission).

Submission:

GeneDx
Classification: Uncertain significance. Last evaluated: 2022-03-15. Review status: criteria provided, single submitter. Criteria: GeneDx Variant Classification Process June 2021. Collection method: clinical testing. Allele origin: germline. Affected: yes.
Comment: Has not been previously published as pathogenic or benign to our knowledge; Not observed at significant frequency in large population cohorts (gnomAD); In silico analysis supports that this missense variant has a deleterious effect on protein structure/function